The following is an entry in ClinVar:

ClinVar aggregate classification (germline): Uncertain significance (1 of 4 stars; one submission).

Conditions:
Aortic valve disease 2 (AOVD2). Identifiers: MedGen C3542024, MONDO:0013902, OMIM 614823.

Submission:

Labcorp Genetics (formerly Invitae), Labcorp
Classification: Uncertain significance for Aortic valve disease 2. Last evaluated: 2023-08-14. Review status: criteria provided, single submitter. Criteria: Invitae Variant Classification Sherloc (09022015). Collection method: clinical testing. Allele origin: germline.
Comment: This sequence change replaces arginine, which is basic and polar, with leucine, which is neutral and non-polar, at codon 57 of the SMAD6 protein (p.Arg57Leu). Information on the frequency of this variant in the gnomAD database is not available, as this variant may be reported differently in the database. This variant has not been reported in the literature in individuals affected with SMAD6-related conditions. ClinVar contains an entry for this variant (Variation ID: 641141). An algorithm developed to predict the effect of missense changes on protein structure and function (PolyPhen-2) suggests that this variant is likely to be tolerated. In summary, the available evidence is currently insufficient to determine the role of this variant in disease. Therefore, it has been classified as a Variant of Uncertain Significance.

NM_005585.5(SMAD6):c.170_171delinsTT (p.Arg57Leu)

Gene: SMAD6 (SMAD family member 6; plus strand). Cytogenetic location: 15q22.31.
Variant type: Indel.
Coding change: c.170_171delinsTT on transcript NM_005585.5 (MANE Select); coding-DNA positions 170 to 171, GC replaced by TT.
Protein change: p.Arg57Leu; replaces arginine 57 with leucine.
Molecular consequence: missense variant. On other transcripts: non-coding transcript variant (1).
Genome position (GRCh38, 1-based): chr15:66,703,428-66,703,429, GC replaced by TT. VCF-style: chr15-66703428-GC-TT. GRCh37 (hg19) VCF-style: chr15-66995766-GC-TT.
Other names: short protein forms R57L.
Identifiers: ClinVar variation 641141 (VCV000641141.8), dbSNP rs1595756540, ClinGen allele CA915946055.
Genomic context (GRCh38, chr15:66,703,428, plus strand): 5'-GGAGCTTGGGCAGCCGAGCTGAGCCGGCCCCGCGGGCAAGAGAGGGCGGAGGCTGCGGCC[GC>TT]TCCGAAGTCCGCCCGGTAGCCCCGCGGCGGCCCCGGGACGCAGTGGGACAGCGAGGCGCC-3'
Protein context (NP_005576.3, residues 47-67): PRAREGGGCG[Arg57Leu]SEVRPVAPRR